The following is an entry in ClinVar:

NM_001267550.2(TTN):c.104654G>A (p.Arg34885Gln)

Genes: TTN-AS1 (TTN antisense RNA 1; plus strand), TTN (titin; minus strand). Cytogenetic location: 2q31.2.
Variant type: single nucleotide variant.
Coding change: c.104654G>A on transcript NM_001267550.2 (MANE Select); coding-DNA position 104654, G replaced by A.
Protein change: p.Arg34885Gln; replaces arginine 34885 with glutamine.
Molecular consequence: missense variant.
Genome position (GRCh38, 1-based): chr2:178,531,961, C>T on the plus strand (G>A on the coding strand, the complement: TTN is on the minus strand). VCF-style: chr2-178531961-C-T. GRCh37 (hg19) VCF-style: chr2-179396688-C-T.
Other names: c.99731G>A, p.Arg33244Gln (NM_001256850.1); c.77459G>A, p.Arg25820Gln (NM_003319.4); c.96950G>A, p.Arg32317Gln (NM_133378.4); c.77834G>A, p.Arg25945Gln (NM_133432.3); c.78035G>A, p.Arg26012Gln (NM_133437.4); short protein forms R25820Q, R25945Q, R26012Q, R32317Q, R33244Q, R34885Q.
Identifiers: ClinVar variation 1060051 (VCV001060051.8), dbSNP rs368870767, ClinGen allele CA60956039.
Genomic context (GRCh38, chr2:178,531,961, plus strand): 5'-AATCTTGCAGACCTCTCAAATCTCGAGAGTGATCTCTCACTAGACACAGGGCTGGGGGAT[C>T]GTGGGCGAGTTCTCTCTGGAGTAGGTGACCTTCTTTCTGTGTCATCTTCGTATTCCTCAG-3'
Protein context (NP_001254479.2, residues 34875-34895): RSPTPERTRP[Arg34885Gln]SPSPVSSERS

ClinVar aggregate classification (germline): Uncertain significance (1 of 4 stars; one submission).

Conditions:
Autosomal recessive limb-girdle muscular dystrophy type 2J (LGMDR10). Also called: MUSCULAR DYSTROPHY, LIMB-GIRDLE, AUTOSOMAL RECESSIVE 10; Limb-girdle muscular dystrophy, type 2J. Identifiers: Orphanet 140922, MedGen C1837342, MONDO:0012127, OMIM 608807.
Dilated cardiomyopathy 1G (CMD1G). Identifiers: Orphanet 154, MedGen C1858763, MONDO:0011400, OMIM 604145.

Allele frequency attached by ClinVar (database versions not stated): gnomAD exomes below 0.00001; gnomAD 0.00002 and 0.00003; TOPMed 0.00002; ESP Exome Variant Server 0.00008.
gnomAD v4.1: 13 of 1,613,402 alleles (0.00081%); highest among the groups gnomAD compares: African/African-American, 0.004%; no homozygotes.

Submission:

Labcorp Genetics (formerly Invitae), Labcorp
Classification: Uncertain significance for Dilated cardiomyopathy 1G; Autosomal recessive limb-girdle muscular dystrophy type 2J. Last evaluated: 2024-10-30. Review status: criteria provided, single submitter. Criteria: Invitae Variant Classification Sherloc (09022015). Collection method: clinical testing. Allele origin: germline.
Comment: This sequence change replaces arginine, which is basic and polar, with glutamine, which is neutral and polar, at codon 34885 of the TTN protein (p.Arg34885Gln). This variant is present in population databases (rs368870767, gnomAD 0.004%). This variant has not been reported in the literature in individuals affected with TTN-related conditions. ClinVar contains an entry for this variant (Variation ID: 1060051). Experimental studies and prediction algorithms are not available or were not evaluated, and the functional significance of this variant is currently unknown. This variant is located in the M band of TTN (PMID: 25589632). Non-truncating variants in this region may be relevant for neuromuscular disorders, but have not been definitively shown to cause cardiomyopathy (PMID: 23975875). In summary, the available evidence is currently insufficient to determine the role of this variant in disease. Therefore, it has been classified as a Variant of Uncertain Significance.

Literature cited by the submitters: PubMed 25589632; PubMed 23975875.